The following is an entry in ClinVar:

NM_000540.3(RYR1):c.14364+1G>A

Gene: RYR1 (ryanodine receptor 1; plus strand). Cytogenetic location: 19q13.2.
Variant type: single nucleotide variant.
Coding change: c.14364+1G>A on transcript NM_000540.3 (MANE Select); the canonical splice donor site of the intron after coding-DNA position 14364, G replaced by A.
Molecular consequence: splice donor variant.
Genome position (GRCh38, 1-based): chr19:38,578,205, G>A. VCF-style: chr19-38578205-G-A. GRCh37 (hg19) VCF-style: chr19-39068845-G-A.
Other names: c.14349+1G>A (NM_001042723.2).
Identifiers: ClinVar variation 1176378 (VCV001176378.41), dbSNP rs1974046221, ClinGen allele CA405685479.

ClinVar aggregate classification (germline): Conflicting classifications of pathogenicity. Review status: criteria provided, conflicting classifications (1 of 4 stars). 5 submissions from 5 submitters: Pathogenic (1); Likely pathogenic (2); Uncertain significance (2). Last evaluated 2025-07-07.

Conditions:
Malignant hyperthermia, susceptibility to, 1 (MHS1). Also called: Malignant hyperthermia suceptibility 1; Anesthesia related hyperthermia; Malignant hyperpyrexia; Fulminating hyperpyrexia; Pharmacogenic myopathy; RYR1-Related Malignant Hyperthermia Susceptibility. Identifiers: Orphanet 423, MedGen C2930980, MONDO:0007783, OMIM 145600.
RYR1-related disorder. Also called: RYR1-related disorders; RYR1-related condition. Identifiers: MedGen CN239331.
Central core myopathy (CMYO1A). Also called: Central core disease; Myopathy, central fibrillar; CONGENITAL MYOPATHY 1A, AUTOSOMAL DOMINANT, WITH SUSCEPTIBILITY TO MALIGNANT HYPERTHERMIA. Identifiers: Orphanet 597, MedGen C5830701, MONDO:0007294, OMIM 117000.

gnomAD v4.1: 4 of 1,613,254 alleles (0.00025%); highest among the groups gnomAD compares: East Asian, 0.0022%; no homozygotes.

Submissions (5):

Color Diagnostics, LLC DBA Color Health
Classification: Uncertain significance for Malignant hyperthermia, susceptibility to, 1. Last evaluated: 2025-07-07. Review status: criteria provided, single submitter. Criteria: ACMG Guidelines, 2015. Collection method: clinical testing. Allele origin: germline.
Comment: This variant causes a G to A nucleotide substitution at the +1 position of intron 99 of the RYR1 gene. To our knowledge, functional studies have not been reported for this variant. This variant has not been reported in individuals affected with RYR1-related disorders in the literature. This variant has not been identified in the general population by the Genome Aggregation Database (gnomAD). The available evidence is insufficient to determine the role of this variant in malignant hyperthermia susceptibility conclusively. Therefore, this variant is classified as a Variant of Uncertain Significance.

All of Us Research Program, National Institutes of Health
Classification: Uncertain significance for Malignant hyperthermia, susceptibility to, 1. Last evaluated: 2024-03-28. Review status: criteria provided, single submitter. Criteria: ACMG Guidelines, 2015. Collection method: clinical testing. Allele origin: germline. Inheritance: Autosomal dominant inheritance. Observed: 1 variant allele, 1 heterozygote.
Comment: This study involves interpretation of variants in research participants for the purpose of population health screening. Participant phenotype was not available at the time of variant classification. Additional details can be found in publication PMID: 35346344, PMCID: PMC8962531

Labcorp Genetics (formerly Invitae), Labcorp
Classification: Pathogenic for RYR1-related disorder. Last evaluated: 2023-10-14. Review status: criteria provided, single submitter. Criteria: Invitae Variant Classification Sherloc (09022015). Collection method: clinical testing. Allele origin: germline.
Comment: This sequence change affects a donor splice site in intron 99 of the RYR1 gene. It is expected to disrupt RNA splicing. Variants that disrupt the donor or acceptor splice site typically lead to a loss of protein function (PMID: 16199547), and loss-of-function variants in RYR1 are known to be pathogenic (PMID: 23919265, 25960145, 28818389, 30611313). This variant is not present in population databases (gnomAD no frequency). Disruption of this splice site has been observed in individual(s) with autosomal recessive arthrogryposis multiplex congenita (PMID: 24319099). In at least one individual the data is consistent with being in trans (on the opposite chromosome) from a pathogenic variant. It has also been observed to segregate with disease in related individuals. ClinVar contains an entry for this variant (Variation ID: 1176378). Algorithms developed to predict the effect of sequence changes on RNA splicing suggest that this variant may disrupt the consensus splice site. For these reasons, this variant has been classified as Pathogenic.

Laboratory for Molecular Medicine, Mass General Brigham Personalized Medicine
Classification: Likely pathogenic for Central core myopathy. Last evaluated: 2022-08-26. Review status: criteria provided, single submitter. Criteria: ACMG Guidelines, 2015. Collection method: clinical testing. Allele origin: germline.
Comment: The c.14364+1G>A variant in RYR1 has been reported in one individual with arthrogryposis multiplex congenita (AMC) as a compound heterozygous with a pathogenic variant (Laque´rriere 2014 PMID: 24319099), and was absent in large population databases. AMC may occur due to an underlying myopathy consistent with RYR1-related myopathies. This variant has also been reported in ClinVar (Variation ID 379718). This variant occurs within the canonical splice site (+/- 1,2) and is predicted to cause altered splicing leading to an abnormal or absent protein. Biallelic loss of function of the RYR1 gene is an established disease mechanism in autosomal recessive congenital fiber type disproportion (CFTD), multiminicore disease (MmD) and centronuclear myopathy (CNM) (Clarke 2010 PMID: 20583297, Amburgey 2013 PMID: 23919265). In summary, this variant meets criteria to be classified as pathogenic for autosomal recessive RYR1-related myopathies. ACMG/AMP Criteria applied: PVS1, PM3,PM2_Supporting.

CeGaT Center for Human Genetics Tuebingen
Classification: Likely pathogenic. Last evaluated: 2021-06-01. Review status: criteria provided, single submitter. Criteria: CeGaT Center For Human Genetics Tuebingen Variant Classification Criteria Version 2. Collection method: clinical testing. Allele origin: germline. Affected: yes. Observed: 1 variant allele.

Literature cited by the submitters: PubMed 16199547 (cited by Labcorp Genetics (formerly Invitae), Labcorp); PubMed 23919265 (cited by Labcorp Genetics (formerly Invitae), Labcorp); PubMed 25960145 (cited by Labcorp Genetics (formerly Invitae), Labcorp); PubMed 28818389 (cited by Labcorp Genetics (formerly Invitae), Labcorp); PubMed 30611313 (cited by Labcorp Genetics (formerly Invitae), Labcorp); PubMed 24319099 (cited by Labcorp Genetics (formerly Invitae), Labcorp).